The following is an entry in ClinVar:

ClinVar aggregate classification (germline): Uncertain significance. Review status: criteria provided, multiple submitters, no conflicts (2 of 4 stars). 2 submissions from 2 submitters: Uncertain significance (2). Last evaluated 2022-07-21.

Conditions:
Senior-Loken syndrome 8 (SLSN8). Identifiers: Orphanet 3156, MedGen C4225376, MONDO:0014579, OMIM 616307.
Asphyxiating thoracic dystrophy 5 (SRTD5). Also called: SHORT-RIB THORACIC DYSPLASIA 5 WITH OR WITHOUT POLYDACTYLY; SHORT-RIB THORACIC DYSPLASIA 5 WITHOUT POLYDACTYLY. Identifiers: Orphanet 474, MedGen C3280598, MONDO:0013717, OMIM 614376.

Allele frequency attached by ClinVar (database versions not stated): gnomAD 0.00001; TOPMed 0.00004; gnomAD exomes 0.00005; ExAC 0.00012.

Submissions (2):

Blueprint Genetics
Classification: Uncertain significance. Last evaluated: 2022-07-21. Review status: criteria provided, single submitter. Criteria: ACMG Guidelines, 2015. Collection method: clinical testing. Allele origin: germline.

Labcorp Genetics (formerly Invitae), Labcorp
Classification: Uncertain significance for Senior-Loken syndrome 8; Asphyxiating thoracic dystrophy 5. Last evaluated: 2022-05-27. Review status: criteria provided, single submitter. Criteria: Invitae Variant Classification Sherloc (09022015). Collection method: clinical testing. Allele origin: germline.
Comment: This variant is present in population databases (rs764106666, gnomAD 0.02%). In summary, the available evidence is currently insufficient to determine the role of this variant in disease. Therefore, it has been classified as a Variant of Uncertain Significance. Algorithms developed to predict the effect of missense changes on protein structure and function output the following: SIFT: "Tolerated"; PolyPhen-2: "Benign"; Align-GVGD: "Class C0". The isoleucine amino acid residue is found in multiple mammalian species, which suggests that this missense change does not adversely affect protein function. ClinVar contains an entry for this variant (Variation ID: 1010573). This variant has not been reported in the literature in individuals affected with WDR19-related conditions. This sequence change replaces valine, which is neutral and non-polar, with isoleucine, which is neutral and non-polar, at codon 508 of the WDR19 protein (p.Val508Ile).

NM_025132.4(WDR19):c.1522G>A (p.Val508Ile)

Gene: WDR19 (WD repeat domain 19; plus strand). Cytogenetic location: 4p14.
Variant type: single nucleotide variant.
Coding change: c.1522G>A on transcript NM_025132.4 (MANE Select); coding-DNA position 1522, G replaced by A.
Protein change: p.Val508Ile; replaces valine 508 with isoleucine.
Molecular consequence: missense variant.
Genome position (GRCh38, 1-based): chr4:39,224,926, G>A. VCF-style: chr4-39224926-G-A. GRCh37 (hg19) VCF-style: chr4-39226546-G-A.
Other names: c.1042G>A, p.Val348Ile (NM_001317924.2); short protein forms V348I, V508I.
Identifiers: ClinVar variation 1010573 (VCV001010573.7), dbSNP rs764106666, ClinGen allele CA2891879.
Genomic context (GRCh38, chr4:39,224,926, plus strand): 5'-ATTTTTTTTTTTTTTTAGACTGGTGTCGTTCAGTATTTCTACATTGAAGACTGGCAATTC[G>A]TTAATGATTATCGACATCCTGTCAGTGTGAAAAAGATTTTTCCCGACCCAAATGGGACCA-3'
Protein context (NP_079408.3, residues 498-518): QYFYIEDWQF[Val508Ile]NDYRHPVSVK